The following is an entry in ClinVar:

ClinVar aggregate classification (germline): Uncertain significance. Review status: criteria provided, multiple submitters, no conflicts (2 of 4 stars). 2 submissions from 2 submitters: Uncertain significance (2). Last evaluated 2025-05-27.

Conditions:
Anemia, nonspherocytic hemolytic, due to G6PD deficiency (CNSHA1). Also called: Hemolytic anemia due to G6PD deficiency; Favism, susceptibility to; Class I glucose-6-phosphate dehydrogenase deficiency; ANEMIA, CONGENITAL, NONSPHEROCYTIC HEMOLYTIC, 1. Identifiers: Orphanet 466026, MedGen C2720289, MONDO:0010480, OMIM 300908.

gnomAD v4.1: 3 of 1,596,294 alleles (0.00019%); highest among the groups gnomAD compares: South Asian, 0.0011%; no homozygotes.

Submissions (2):

Johns Hopkins Genomics, Johns Hopkins University
Classification: Uncertain significance for Anemia, nonspherocytic hemolytic, due to G6PD deficiency. Last evaluated: 2025-05-27. Review status: criteria provided, single submitter. Criteria: ACMG Guidelines, 2015. Collection method: clinical testing. Allele origin: germline.
Comment: This GFI1 variant (rs751565897) is rare (<0.1%) in a large population dataset (gnomADv2.1.1: 1/217024 total alleles; 0.0005%; no homozygotes) and has been reported in ClinVar (Variation ID: 3853661). Two bioinformatics tools queried predict that the substitution would be tolerated and the valine residue at this position is conserved across most of the vertebrate species assessed. Bioinformatic analysis predicts that this missense variant would not affect normal exon 4 splicing, although this has not been confirmed experimentally to our knowledge. Due to insufficient evidence, we consider the clinical significance of c.715G>A to be uncertain at this time.

Ambry Genetics
Classification: Uncertain significance. Last evaluated: 2024-12-20. Review status: criteria provided, single submitter. Criteria: Ambry Variant Classification Scheme 2023. Collection method: clinical testing. Allele origin: germline.
Comment: The p.V239M variant (also known as c.715G>A), located in coding exon 3 of the GFI1 gene, results from a G to A substitution at nucleotide position 715. The valine at codon 239 is replaced by methionine, an amino acid with highly similar properties. This amino acid position is conserved. In addition, this alteration is predicted to be tolerated by in silico analysis. Based on the available evidence, the clinical significance of this variant remains unclear.

Literature cited by the submitters: PubMed 12778173 (cited by Johns Hopkins Genomics, Johns Hopkins University); PubMed 20547752 (cited by Johns Hopkins Genomics, Johns Hopkins University).

NM_005263.5(GFI1):c.715G>A (p.Val239Met)

Gene: GFI1 (growth factor independent 1 transcriptional repressor; minus strand). Cytogenetic location: 1p22.1.
Variant type: single nucleotide variant.
Coding change: c.715G>A on transcript NM_005263.5 (MANE Select); coding-DNA position 715, G replaced by A.
Protein change: p.Val239Met; replaces valine 239 with methionine.
Molecular consequence: missense variant.
Genome position (GRCh38, 1-based): chr1:92,480,672, C>T on the plus strand (G>A on the coding strand, the complement: GFI1 is on the minus strand). VCF-style: chr1-92480672-C-T. GRCh37 (hg19) VCF-style: chr1-92946229-C-T.
Other names: c.715G>A, p.Val239Met (NM_001127216.3, NM_001127215.3); short protein forms V239M.
Identifiers: ClinVar variation 3853661 (VCV003853661.2).